The following is an entry in ClinVar:

ClinVar aggregate classification (germline): Uncertain significance (1 of 4 stars; one submission).

Conditions:
Hereditary nonpolyposis colorectal neoplasms. Identifiers: MedGen C0009405, MeSH D003123.

Submission:

Labcorp Genetics (formerly Invitae), Labcorp
Classification: Uncertain significance for Hereditary nonpolyposis colorectal neoplasms. Last evaluated: 2025-12-22. Review status: criteria provided, single submitter. Criteria: Invitae Variant Classification Sherloc (09022015). Collection method: clinical testing. Allele origin: germline.
Comment: This sequence change replaces lysine, which is basic and polar, with methionine, which is neutral and non-polar, at codon 1140 of the MSH6 protein (p.Lys1140Met). This variant is not present in population databases (gnomAD no frequency). This variant has not been reported in the literature in individuals affected with MSH6-related conditions. Invitae Evidence Modeling of protein sequence and biophysical properties (such as structural, functional, and spatial information, amino acid conservation, physicochemical variation, residue mobility, and thermodynamic stability) indicates that this missense variant is expected to disrupt MSH6 protein function with a positive predictive value of 95%. In summary, the available evidence is currently insufficient to determine the role of this variant in disease. Therefore, it has been classified as a Variant of Uncertain Significance.

NM_000179.3(MSH6):c.3419A>T (p.Lys1140Met)

Gene: MSH6 (mutS homolog 6; plus strand). Cytogenetic location: 2p16.3.
Variant type: single nucleotide variant.
Coding change: c.3419A>T on transcript NM_000179.3 (MANE Select); coding-DNA position 3419, A replaced by T.
Protein change: p.Lys1140Met; replaces lysine 1140 with methionine.
Molecular consequence: missense variant. On other transcripts: non-coding transcript variant (5).
Genome position (GRCh38, 1-based): chr2:47,803,666, A>T. VCF-style: chr2-47803666-A-T. GRCh37 (hg19) VCF-style: chr2-48030805-A-T.
Other names: c.3029A>T, p.Lys1010Met (NM_001281492.2); c.2513A>T, p.Lys838Met (NM_001281493.2, NM_001281494.2, NM_001406811.1 and 6 more transcripts); c.3515A>T, p.Lys1172Met (NM_001406795.1, NM_001406802.1); c.3419A>T, p.Lys1140Met (NM_001406796.1, NM_001406800.1, NM_001406808.1 and 1 more transcripts); c.3122A>T, p.Lys1041Met (NM_001406797.1, NM_001406801.1, NM_001406805.1 and 10 more transcripts); c.3245A>T, p.Lys1082Met (NM_001406798.1); c.2894A>T, p.Lys965Met (NM_001406799.1, NM_001406806.1, NM_001406807.1); c.2555A>T, p.Lys852Met (NM_001406803.1); and 7 more; short protein forms K1010M, K1041M, K1082M, K1084M, K1114M, K1140M, K1142M, K1172M.
Identifiers: ClinVar variation 4800227 (VCV004800227.1).